The following is an entry in ClinVar:

NM_005228.5(EGFR):c.943A>G (p.Ser315Gly)

Gene: EGFR (epidermal growth factor receptor; plus strand). Cytogenetic location: 7p11.2.
Variant type: single nucleotide variant.
Coding change: c.943A>G on transcript NM_005228.5 (MANE Select); coding-DNA position 943, A replaced by G.
Protein change: p.Ser315Gly; replaces serine 315 with glycine.
Molecular consequence: missense variant.
Genome position (GRCh38, 1-based): chr7:55,155,883, A>G. VCF-style: chr7-55155883-A-G. GRCh37 (hg19) VCF-style: chr7-55223576-A-G.
Other names: c.808A>G, p.Ser270Gly (NM_001346897.2, NM_001346899.2); c.943A>G, p.Ser315Gly (NM_001346898.2, NM_201282.2, NM_201283.2 and 1 more transcripts); c.784A>G, p.Ser262Gly (NM_001346900.2); c.142A>G, p.Ser48Gly (NM_001346941.2); short protein forms S270G, S262G, S315G, S48G.
Identifiers: ClinVar variation 1036295 (VCV001036295.8), dbSNP rs1785386608, ClinGen allele CA367578026.

ClinVar aggregate classification (germline): Uncertain significance (1 of 4 stars; one submission).

Conditions:
EGFR-related lung cancer (EGFR). Identifiers: MedGen CN130014.

Submission:

Labcorp Genetics (formerly Invitae), Labcorp
Classification: Uncertain significance for EGFR-related lung cancer. Last evaluated: 2025-04-22. Review status: criteria provided, single submitter. Criteria: Invitae Variant Classification Sherloc (09022015). Collection method: clinical testing. Allele origin: germline.
Comment: This sequence change replaces serine, which is neutral and polar, with glycine, which is neutral and non-polar, at codon 315 of the EGFR protein (p.Ser315Gly). This variant is not present in population databases (gnomAD no frequency). This variant has not been reported in the literature in individuals affected with EGFR-related conditions. ClinVar contains an entry for this variant (Variation ID: 1036295). Invitae Evidence Modeling of protein sequence and biophysical properties (such as structural, functional, and spatial information, amino acid conservation, physicochemical variation, residue mobility, and thermodynamic stability) has been performed for this missense variant. However, the output from this modeling did not meet the statistical confidence thresholds required to predict the impact of this variant on EGFR protein function. In summary, the available evidence is currently insufficient to determine the role of this variant in disease. Therefore, it has been classified as a Variant of Uncertain Significance.